The following is an entry in ClinVar:

ClinVar aggregate classification (germline): Likely benign. Review status: criteria provided, single submitter (1 of 4 stars). 2 submissions from 2 submitters: Likely benign (1). 1 of the submissions does not count toward it.

Conditions:
PIK3R5-related disorder. Also called: PIK3R5-related condition.

Allele frequency attached by ClinVar (database versions not stated): gnomAD exomes 0.00010; ExAC 0.00051; TOPMed 0.00099; gnomAD 0.00103; ESP Exome Variant Server 0.00192; 1000 Genomes Project 0.00220; 1000 Genomes Project 30x 0.00265.
gnomAD v4.1: 312 of 1,613,394 alleles (0.019%); highest among the groups gnomAD compares: African/African-American, 0.33%; 3 homozygotes.

Submissions (2):

Breakthrough Genomics
Classification: Likely benign. Review status: criteria provided, single submitter. Criteria: ACMG Guidelines, 2015. Collection method: not provided. Allele origin: germline. Inheritance: Autosomal recessive inheritance. Affected: yes.

PreventionGenetics, part of Exact Sciences
Classification: Likely benign for PIK3R5-related condition. Last evaluated: 2019-03-26. Review status: no assertion criteria provided. Collection method: clinical testing. Allele origin: germline. Not counted in ClinVar's aggregate classification.
Comment: This variant is classified as likely benign based on ACMG/AMP sequence variant interpretation guidelines (Richards et al. 2015 PMID: 25741868, with internal and published modifications).

NM_001142633.3(PIK3R5):c.2361A>G (p.Lys787=)

Gene: PIK3R5 (phosphoinositide-3-kinase regulatory subunit 5; minus strand). Cytogenetic location: 17p13.1.
Variant type: single nucleotide variant.
Coding change: c.2361A>G on transcript NM_001142633.3 (MANE Select); coding-DNA position 2361, A replaced by G.
Protein change: p.Lys787=; no amino-acid change (lysine 787 retained).
Molecular consequence: synonymous variant.
Genome position (GRCh38, 1-based): chr17:8,881,651, T>C on the plus strand (A>G on the coding strand, the complement: PIK3R5 is on the minus strand). VCF-style: chr17-8881651-T-C. GRCh37 (hg19) VCF-style: chr17-8784968-T-C.
Other names: c.1203A>G, p.Lys401= (NM_001251851.2, NM_001251852.2, NM_001251853.2 and 4 more transcripts); c.2358A>G, p.Lys786= (NM_001388396.1); c.1200A>G, p.Lys400= (NM_001388400.1); c.2361A>G, p.Lys787= (NM_014308.4).
Identifiers: ClinVar variation 3047480 (VCV003047480.3), dbSNP rs140727165, ClinGen allele CA8380258.